The following is an entry in ClinVar:

ClinVar aggregate classification (germline): Conflicting classifications of pathogenicity. Review status: criteria provided, conflicting classifications (1 of 4 stars). 5 submissions from 5 submitters: Uncertain significance (3); Likely benign (2). Last evaluated 2025-12-29.

Conditions:
Hereditary cancer-predisposing syndrome. Also called: Neoplastic Syndromes, Hereditary; Tumor predisposition; Hereditary Cancer Syndrome; Hereditary neoplastic syndrome. Identifiers: Orphanet 140162, MedGen C0027672, MeSH D009386, MONDO:0015356.
Hereditary breast ovarian cancer syndrome. Also called: BRCA1- and BRCA2-Associated Hereditary Breast and Ovarian Cancer; Hereditary breast and ovarian cancer syndrome; Hereditary breast and ovarian cancer; Hereditary breast and ovarian cancer syndrome (HBOC); Breast and ovarian cancer; Hereditary breast and/or ovarian cancer syndrome. Identifiers: Orphanet 145, MedGen C0677776, MeSH D061325, MONDO:0003582. Disease mechanism: loss of function.

Submissions (5):

Center for Genomic Medicine, Rigshospitalet, Copenhagen University Hospital
Classification: Likely benign. Last evaluated: 2025-12-29. Review status: criteria provided, single submitter. Criteria: ACMG Guidelines, 2015. Collection method: clinical testing. Allele origin: germline.
Comment: Classification criteria: BP1 strong

Ambry Genetics
Classification: Uncertain significance for Hereditary cancer-predisposing syndrome. Last evaluated: 2025-04-06. Review status: criteria provided, single submitter. Criteria: Ambry Variant Classification Scheme 2023. Collection method: clinical testing. Allele origin: germline.
Comment: The p.S2243C variant (also known as c.6728C>G), located in coding exon 10 of the BRCA2 gene, results from a C to G substitution at nucleotide position 6728. The serine at codon 2243 is replaced by cysteine, an amino acid with dissimilar properties. This amino acid position is well conserved in available vertebrate species. In addition, the in silico prediction for this alteration is inconclusive. Since supporting evidence is limited at this time, the clinical significance of this alteration remains unclear.

Labcorp Genetics (formerly Invitae), Labcorp
Classification: Uncertain significance for Hereditary breast ovarian cancer syndrome. Last evaluated: 2025-01-15. Review status: criteria provided, single submitter. Criteria: Invitae Variant Classification Sherloc (09022015). Collection method: clinical testing. Allele origin: germline.
Comment: This sequence change replaces serine, which is neutral and polar, with cysteine, which is neutral and slightly polar, at codon 2243 of the BRCA2 protein (p.Ser2243Cys). This variant is not present in population databases (gnomAD no frequency). This missense change has been observed in individual(s) with clinical features of BRCA2-related conditions (PMID: 21520333). ClinVar contains an entry for this variant (Variation ID: 231219). Invitae Evidence Modeling of protein sequence and biophysical properties (such as structural, functional, and spatial information, amino acid conservation, physicochemical variation, residue mobility, and thermodynamic stability) indicates that this missense variant is not expected to disrupt BRCA2 protein function with a negative predictive value of 95%. In summary, the available evidence is currently insufficient to determine the role of this variant in disease. Therefore, it has been classified as a Variant of Uncertain Significance.

University of Washington Department of Laboratory Medicine, University of Washington
Classification: Likely benign for Hereditary cancer-predisposing syndrome. Last evaluated: 2023-03-23. Review status: criteria provided, single submitter. Criteria: Dines et al. (Genet Med. 2020). Collection method: curation. Allele origin: germline.
Comment: Missense variant in a coldspot region where missense variants are very unlikely to be pathogenic (PMID:31911673).

BRCA2 exon 11 coldspot. Reclassification based on statistical prior probability.

Mendelics
Classification: Uncertain significance. Last evaluated: 2022-05-04. Review status: criteria provided, single submitter. Criteria: Mendelics Assertion Criteria 2019. Collection method: clinical testing. Allele origin: germline.

Literature cited by the submitters: PubMed 21520333 (cited by Labcorp Genetics (formerly Invitae), Labcorp).

NM_000059.4(BRCA2):c.6728C>G (p.Ser2243Cys)

Gene: BRCA2 (BRCA2 DNA repair associated; plus strand). Cytogenetic location: 13q13.1.
Variant type: single nucleotide variant.
Coding change: c.6728C>G on transcript NM_000059.4 (MANE Select); coding-DNA position 6728, C replaced by G.
Protein change: p.Ser2243Cys; replaces serine 2243 with cysteine.
Molecular consequence: missense variant.
Genome position (GRCh38, 1-based): chr13:32,341,083, C>G. VCF-style: chr13-32341083-C-G. GRCh37 (hg19) VCF-style: chr13-32915220-C-G.
Other names: short protein forms S2243C.
Identifiers: ClinVar variation 231219 (VCV000231219.20), dbSNP rs876659031, ClinGen allele CA10579707.
Genomic context (GRCh38, chr13:32,341,083, plus strand): 5'-TTGAAACAGAAGCAGTAGAAATTGCTAAAGCTTTTATGGAAGATGATGAACTGACAGATT[C>G]TAAACTGCCAAGTCATGCCACACATTCTCTTTTTACATGTCCCGAAAATGAGGAAATGGT-3'
Protein context (NP_000050.3, residues 2233-2253): AFMEDDELTD[Ser2243Cys]KLPSHATHSL